The following is an entry in ClinVar:

NM_000512.5(GALNS):c.442C>T (p.Gln148Ter)

Gene: GALNS (galactosamine (N-acetyl)-6-sulfatase; minus strand). Cytogenetic location: 16q24.3.
Variant type: single nucleotide variant.
Coding change: c.442C>T on transcript NM_000512.5 (MANE Select); coding-DNA position 442, C replaced by T.
Protein change: p.Gln148Ter; replaces glutamine 148 with a stop codon.
Molecular consequence: nonsense. On other transcripts: 5 prime UTR variant (1).
Genome position (GRCh38, 1-based): chr16:88,837,746, G>A on the plus strand (C>T on the coding strand, the complement: GALNS is on the minus strand). VCF-style: chr16-88837746-G-A. GRCh37 (hg19) VCF-style: chr16-88904154-G-A.
Other names: c.-114C>T (NM_001323543.2); c.460C>T, p.Gln154Ter (NM_001323544.2); short protein forms Q148*, Q154*.
Identifiers: ClinVar variation 1048458 (VCV001048458.3), dbSNP rs2143002464, ClinGen allele CA397083621.

ClinVar aggregate classification (germline): Pathogenic (1 of 4 stars; one submission).

Conditions:
Mucopolysaccharidosis, MPS-IV-A (MPS4A). Also called: Mucopolysaccharidosis type IV A; Mucopolysaccharidosis Type IVA; Morquio syndrome A, mild; MORQUIO SYNDROME A; MPS IVA; mucopolysaccharidosis type 4A. Identifiers: Orphanet 309297, Orphanet 582, MedGen C0086651, MONDO:0009659, OMIM 253000.

gnomAD v4.1: 1 of 1,613,992 alleles (0.000062%); highest among the groups gnomAD compares: African/African-American, 0.0013%; no homozygotes.

Submission:

Laboratory of Diagnosis and Therapy of Lysosomal Disorders, University of Padova
Classification: Pathogenic for Mucopolysaccharidosis, MPS-IV-A. Last evaluated: 2021-02-01. Review status: criteria provided, single submitter. Criteria: ACMG Guidelines, 2015. Collection method: curation. Allele origin: germline. Affected: yes.
Comment: Nonsense variant (PVS1_very strong); in vitro functional studies supportive of a damaging effect on the gene product (low to null in vitro enzymatic activity; PS3_supporting); absent from gnomAD v2.1.1 (PM2_moderate)

Literature cited by the submitters: PubMed 7795586; PubMed 34387910.